The following is an entry in ClinVar:

ClinVar aggregate classification (germline): Uncertain significance (1 of 4 stars; one submission).

Allele frequency attached by ClinVar (database versions not stated): TOPMed below 0.00001; gnomAD 0.00001; gnomAD exomes 0.00001; ExAC 0.00002.
gnomAD v4.1: 6 of 1,612,774 alleles (0.00037%); highest among the groups gnomAD compares: Non-Finnish European, 0.00051%; no homozygotes.

Submission:

Labcorp Genetics (formerly Invitae), Labcorp
Classification: Uncertain significance. Last evaluated: 2024-08-14. Review status: criteria provided, single submitter. Criteria: Invitae Variant Classification Sherloc (09022015). Collection method: clinical testing. Allele origin: germline.
Comment: This sequence change falls in intron 40 of the COL11A2 gene. It does not directly change the encoded amino acid sequence of the COL11A2 protein. It affects a nucleotide within the consensus splice site. This variant is present in population databases (rs775993606, gnomAD 0.002%). This variant has not been reported in the literature in individuals affected with COL11A2-related conditions. ClinVar contains an entry for this variant (Variation ID: 1393160). Variants that disrupt the consensus splice site are a relatively common cause of aberrant splicing (PMID: 17576681, 9536098). Algorithms developed to predict the effect of sequence changes on RNA splicing suggest that this variant is not likely to affect RNA splicing. In summary, the available evidence is currently insufficient to determine the role of this variant in disease. Therefore, it has been classified as a Variant of Uncertain Significance.

Literature cited by the submitters: PubMed 17576681; PubMed 9536098.

NM_080680.3(COL11A2):c.2989-3T>C

Gene: COL11A2 (collagen type XI alpha 2 chain; minus strand). Cytogenetic location: 6p21.32.
Variant type: single nucleotide variant.
Coding change: c.2989-3T>C on transcript NM_080680.3 (MANE Select); 3 bases into the intron before coding-DNA position 2989, T replaced by C.
Molecular consequence: intron variant.
Genome position (GRCh38, 1-based): chr6:33,172,106, A>G on the plus strand (T>C on the coding strand, the complement: COL11A2 is on the minus strand). VCF-style: chr6-33172106-A-G. GRCh37 (hg19) VCF-style: chr6-33139883-A-G.
Other names: c.2668-3T>C (NM_080679.3); c.2731-3T>C (NM_080681.3).
Identifiers: ClinVar variation 1393160 (VCV001393160.5), dbSNP rs775993606, ClinGen allele CA3750673.